The following is an entry in ClinVar:

NM_000257.4(MYH7):c.2228A>G (p.Glu743Gly)

Gene: MYH7 (myosin heavy chain 7; minus strand). Cytogenetic location: 14q11.2.
Variant type: single nucleotide variant.
Coding change: c.2228A>G on transcript NM_000257.4 (MANE Select); coding-DNA position 2228, A replaced by G.
Protein change: p.Glu743Gly; replaces glutamic acid 743 with glycine.
Molecular consequence: missense variant.
Genome position (GRCh38, 1-based): chr14:23,425,753, T>C on the plus strand (A>G on the coding strand, the complement: MYH7 is on the minus strand). VCF-style: chr14-23425753-T-C. GRCh37 (hg19) VCF-style: chr14-23894962-T-C.
Other names: short protein forms E743G.
Identifiers: ClinVar variation 919089 (VCV000919089.4), dbSNP rs1892669315, ClinGen allele CA389048872.
Genomic context (GRCh38, chr14:23,425,753, plus strand): 5'-ACCTTGGTGTGGCCAAACTTGTACTGGTTGTGATCAATGTCCAGGGAGCTGAGCAGCTTC[T>C]CTGCCCCCTTCCTGCTATCAATGAACTGTCCCTCAGGGATGGCCGCTGGGTTCAGGATGC-3'
Protein context (NP_000248.2, residues 733-753): GQFIDSRKGA[Glu743Gly]KLLSSLDIDH

ClinVar aggregate classification (germline): Uncertain significance (1 of 4 stars; one submission).

Conditions:
Cardiomyopathy (CMYO). Also called: Cardiomyopathies. Identifiers: Orphanet 167848, MedGen C0878544, MONDO:0004994, HP:0001638. Inheritance: Various modes of inheritance.

Submission:

Color Diagnostics, LLC DBA Color Health
Classification: Uncertain significance for Cardiomyopathy. Last evaluated: 2024-03-06. Review status: criteria provided, single submitter. Criteria: ACMG Guidelines, 2015. Collection method: clinical testing. Allele origin: germline.
Comment: This missense variant replaces glutamic acid with glycine at codon 743 of the MYH7 protein. Computational prediction suggests that this variant may have deleterious impact on protein structure and function (internally defined REVEL score threshold >= 0.7, PMID: 27666373). Splice site prediction tools suggest that this variant may not impact RNA splicing. To our knowledge, functional studies have not been performed for this variant. This variant has not been reported in individuals affected with cardiovascular disorders in the literature. This variant has not been identified in the general population by the Genome Aggregation Database (gnomAD). The available evidence is insufficient to determine the role of this variant in disease conclusively. Therefore, this variant is classified as a Variant of Uncertain Significance.